The following is an entry in ClinVar:

Conditions:
Breast-ovarian cancer, familial, susceptibility to, 1 (BROVCA1). Also called: BRCA1 Hereditary Breast and Ovarian Cancer; OVARIAN CANCER, SUSCEPTIBILITY TO. Identifiers: Orphanet 145, MedGen C2676676, MONDO:0011450, OMIM 604370. Disease mechanism: loss of function.

Submission:

Brotman Baty Institute, University of Washington
No classification provided (evidence only). Condition: Breast-ovarian cancer, familial 1. Review status: no classification provided. Collection method: in vitro. Allele origin: not applicable. Functional consequence: functionally_normal.
ClinVar note: "not provided" was previously submitted as the classification for the variant. However, the classification appeared to be based only on an observation of functional data so it was converted to no classification on 2025-07-30.

NM_007294.4(BRCA1):c.5290C>G (p.Leu1764Val)

Gene: BRCA1 (BRCA1 DNA repair associated; minus strand). Cytogenetic location: 17q21.31.
Variant type: single nucleotide variant.
Coding change: c.5290C>G on transcript NM_007294.4 (MANE Select); coding-DNA position 5290, C replaced by G.
Protein change: p.Leu1764Val; replaces leucine 1764 with valine.
Molecular consequence: missense variant. On other transcripts: non-coding transcript variant (1).
Genome position (GRCh38, 1-based): chr17:43,051,105, G>C on the plus strand (C>G on the coding strand, the complement: BRCA1 is on the minus strand). VCF-style: chr17-43051105-G-C. GRCh37 (hg19) VCF-style: chr17-41203122-G-C.
Other names: c.1768C>G, p.Leu590Val (NM_001408481.1, NM_001408482.1, NM_001408483.1 and 5 more transcripts); c.1765C>G, p.Leu589Val (NM_001408492.1, NM_001408493.1); c.1714C>G, p.Leu572Val (NM_001408502.1, NM_001408503.1, NM_001408504.1); c.1711C>G, p.Leu571Val (NM_001408505.1); c.1654C>G, p.Leu552Val (NM_001408506.1); c.1651C>G, p.Leu551Val (NM_001408507.1); c.1642C>G, p.Leu548Val (NM_001408508.1); c.1639C>G, p.Leu547Val (NM_001408509.1); and 72 more; short protein forms L660V, L1717V, L1785V, L1764V, L1467V, L1610V, L1693V, L1738V.
Identifiers: ClinVar variation 868289 (VCV000868289.3), dbSNP rs1295469179, ClinGen allele CA10590967.